The following is an entry in ClinVar:

ClinVar aggregate classification (germline): Uncertain significance. Review status: criteria provided, multiple submitters, no conflicts (2 of 4 stars). 2 submissions from 2 submitters: Uncertain significance (2). Last evaluated 2025-05-19.

Conditions:
Inborn genetic diseases. Identifiers: MedGen C0950123, MeSH D030342.

Allele frequency attached by ClinVar (database versions not stated): gnomAD 0.00002; TOPMed 0.00005.
gnomAD v4.1: 62 of 1,613,588 alleles (0.0038%); highest among the groups gnomAD compares: Admixed American, 0.032%; no homozygotes.

Submissions (2):

Ambry Genetics
Classification: Uncertain significance for Inborn genetic diseases. Last evaluated: 2025-05-19. Review status: criteria provided, single submitter. Criteria: Ambry Variant Classification Scheme 2023. Collection method: clinical testing. Allele origin: germline.

Labcorp Genetics (formerly Invitae), Labcorp
Classification: Uncertain significance. Last evaluated: 2024-11-15. Review status: criteria provided, single submitter. Criteria: Invitae Variant Classification Sherloc (09022015). Collection method: clinical testing. Allele origin: germline.
Comment: This sequence change replaces proline, which is neutral and non-polar, with leucine, which is neutral and non-polar, at codon 639 of the VPS13D protein (p.Pro639Leu). This variant is present in population databases (rs374591304, gnomAD 0.04%). This variant has not been reported in the literature in individuals affected with VPS13D-related conditions. ClinVar contains an entry for this variant (Variation ID: 2070484). Invitae Evidence Modeling of protein sequence and biophysical properties (such as structural, functional, and spatial information, amino acid conservation, physicochemical variation, residue mobility, and thermodynamic stability) indicates that this missense variant is expected to disrupt VPS13D protein function with a positive predictive value of 80%. In summary, the available evidence is currently insufficient to determine the role of this variant in disease. Therefore, it has been classified as a Variant of Uncertain Significance.

NM_015378.4(VPS13D):c.1916C>T (p.Pro639Leu)

Gene: VPS13D (vacuolar protein sorting 13 homolog D; plus strand). Cytogenetic location: 1p36.22.
Variant type: single nucleotide variant.
Coding change: c.1916C>T on transcript NM_015378.4 (MANE Select); coding-DNA position 1916, C replaced by T.
Protein change: p.Pro639Leu; replaces proline 639 with leucine.
Molecular consequence: missense variant.
Genome position (GRCh38, 1-based): chr1:12,268,820, C>T. VCF-style: chr1-12268820-C-T. GRCh37 (hg19) VCF-style: chr1-12328877-C-T.
Other names: c.1916C>T, p.Pro639Leu (NM_018156.4); c.1916C>T (NM_015378.2); short protein forms P639L.
Identifiers: ClinVar variation 2070484 (VCV002070484.3), dbSNP rs374591304, ClinGen allele CA601679.
Genomic context (GRCh38, chr1:12,268,820, plus strand): 5'-ACAGCCACTTTGAGAGGCGGCTCAATGTCAGCACAAGGCCCTTGAACATCATATACAATC[C>T]GCAGGCCATTAAAAAAGTAGCAGACTTTTTCTACAAGGGAAAGGTTCATACCTCAGGTTA-3'
Protein context (NP_056193.2, residues 629-649): STRPLNIIYN[Pro639Leu]QAIKKVADFF